The following is an entry in ClinVar:

ClinVar aggregate classification (germline): Uncertain significance (0 of 4 stars; one submission).

Conditions:
Intellectual developmental disorder, autosomal recessive 43. Also called: Intellectual disability, autosomal recessive 43. Identifiers: Orphanet 88616, MedGen C4014386, MONDO:0014354, OMIM 615817.

Submission:

Clinical Genomics Laboratory, Stanford Medicine
Classification: Uncertain significance for Intellectual developmental disorder, autosomal recessive 43. Last evaluated: 2020-10-16. Review status: no assertion criteria provided. Collection method: clinical testing. Allele origin: germline. Inheritance: Autosomal recessive inheritance. Affected: yes.
Comment: The p.Pro579Hisfs*4 variant in the WASHC4 gene has not been previously reported in association with disease and was absent from large population databases, including the Genome Aggregation Database. This variant results in a 1 bp deletion, which causes a shift in the protein reading frame, leading to a premature termination codon 4 amino acids downstream. Loss of WASHC4 function is not currently an established mechanism of disease; however, one nonsense variant has been reported in the literature and there is some functional evidence that suggests loss of function may be a mechanism of disease (Ropers et al., 2011). These data were assessed using the ACMG/AMP variant interpretation guidelines. In summary, the significance of the p.Pro579Hisfs*4 variant is uncertain. [ACMG evidence codes used: PVS1_moderate; PM2]

NM_015275.3(WASHC4):c.1731del (p.Pro579fs)

Gene: WASHC4 (WASH complex subunit 4; plus strand). Cytogenetic location: 12q23.3.
Variant type: Deletion.
Coding change: c.1731del on transcript NM_015275.3 (MANE Select); coding-DNA position 1731, one base deleted (C; older notation c.1731delC).
Protein change: p.Pro579fs; shifts the reading frame from proline 579.
Molecular consequence: frameshift variant.
Genome position (GRCh38, 1-based): chr12:105,141,190, C deleted. VCF-style (leftmost placement, unchanged base first): chr12-105141189-TC-T. GRCh37 (hg19) VCF-style: chr12-105534967-TC-T.
Other names: c.1734del, p.Pro580fs (NM_001293640.2); short protein forms P579fs, P580fs.
Identifiers: ClinVar variation 2584684 (VCV002584684.1), dbSNP rs2502660665, ClinGen allele CA2582341794.